The following is an entry in ClinVar:

ClinVar aggregate classification (germline): Uncertain significance. Review status: criteria provided, multiple submitters, no conflicts (2 of 4 stars). 2 submissions from 2 submitters: Uncertain significance (2). Last evaluated 2023-07-28.

Conditions:
Intellectual disability, autosomal recessive 53 (NEDHSCA). Also called: NEURODEVELOPMENTAL DISORDER WITH OR WITHOUT HYPOTONIA, SEIZURES, AND CEREBELLAR ATROPHY; GLYCOSYLPHOSPHATIDYLINOSITOL BIOSYNTHESIS DEFECT 13; Mental retardation, autosomal recessive 53. Identifiers: Orphanet 488635, MedGen C4310794, MONDO:0014832, OMIM 616917.

Allele frequency attached by ClinVar (database versions not stated): 1000 Genomes Project 0.00040; 1000 Genomes Project 30x 0.00062.
gnomAD v4.1: 27 of 1,614,174 alleles (0.0017%); highest among the groups gnomAD compares: Middle Eastern, 0.017%; no homozygotes.

Submissions (2):

Labcorp Genetics (formerly Invitae), Labcorp
Classification: Uncertain significance for Intellectual disability, autosomal recessive 53. Last evaluated: 2023-07-28. Review status: criteria provided, single submitter. Criteria: Invitae Variant Classification Sherloc (09022015). Collection method: clinical testing. Allele origin: germline.
Comment: This variant is present in population databases (rs117059276, gnomAD 0.01%). This sequence change replaces serine, which is neutral and polar, with phenylalanine, which is neutral and non-polar, at codon 717 of the PIGG protein (p.Ser717Phe). In summary, the available evidence is currently insufficient to determine the role of this variant in disease. Therefore, it has been classified as a Variant of Uncertain Significance. Advanced modeling of protein sequence and biophysical properties (such as structural, functional, and spatial information, amino acid conservation, physicochemical variation, residue mobility, and thermodynamic stability) performed at Invitae indicates that this missense variant is expected to disrupt PIGG protein function. ClinVar contains an entry for this variant (Variation ID: 1712588). This variant has not been reported in the literature in individuals affected with PIGG-related conditions.

GeneDx
Classification: Uncertain significance. Last evaluated: 2022-04-26. Review status: criteria provided, single submitter. Criteria: GeneDx Variant Classification Process June 2021. Collection method: clinical testing. Allele origin: germline. Affected: yes.
Comment: Not observed at significant frequency in large population cohorts (gnomAD); In silico analysis supports that this missense variant has a deleterious effect on protein structure/function; Has not been previously published as pathogenic or benign to our knowledge

NM_001127178.3(PIGG):c.2150C>T (p.Ser717Phe)

Gene: PIGG (phosphatidylinositol glycan anchor biosynthesis class G (EMM blood group); plus strand). Cytogenetic location: 4p16.3.
Variant type: single nucleotide variant.
Coding change: c.2150C>T on transcript NM_001127178.3 (MANE Select); coding-DNA position 2150, C replaced by T.
Protein change: p.Ser717Phe; replaces serine 717 with phenylalanine.
Molecular consequence: missense variant. On other transcripts: non-coding transcript variant (10).
Genome position (GRCh38, 1-based): chr4:527,119, C>T. VCF-style: chr4-527119-C-T. GRCh37 (hg19) VCF-style: chr4-520908-C-T.
Other names: c.1883C>T, p.Ser628Phe (NM_001289051.2, NM_001345986.2); c.1751C>T, p.Ser584Phe (NM_001289052.2); c.1859C>T, p.Ser620Phe (NM_001345987.2); c.1121C>T, p.Ser374Phe (NM_001345988.2); c.617C>T, p.Ser206Phe (NM_001345990.2, NM_001345991.2); c.1052C>T, p.Ser351Phe (NM_001345994.2); c.2126C>T, p.Ser709Phe (NM_017733.5); short protein forms S206F, S351F, S374F, S584F, S620F, S628F, S709F, S717F.
Identifiers: ClinVar variation 1712588 (VCV001712588.7), dbSNP rs117059276, ClinGen allele CA2793555.
Genomic context (GRCh38, chr4:527,119, plus strand): 5'-TCTCTGTCCTGGCTGCCCTCTCCCTCCTCGTAGTTTTTGTGCTGGTGCAGAGGGGGTGCT[C>T]CCCTGTGTCCAAGGCTGCCCTGGCGCTGGGGCTGCTGGGCGTCTACTGCTACCGGGCGGC-3'
Protein context (NP_001120650.1, residues 707-727): VVFVLVQRGC[Ser717Phe]PVSKAALALG